The following is an entry in ClinVar:

ClinVar aggregate classification (germline): Uncertain significance. Review status: criteria provided, multiple submitters, no conflicts (2 of 4 stars). 2 submissions from 2 submitters: Uncertain significance (2). Last evaluated 2023-12-26.

Allele frequency attached by ClinVar (database versions not stated): gnomAD 0.00002; TOPMed 0.00002.
gnomAD v4.1: 7 of 1,535,058 alleles (0.00046%); highest among the groups gnomAD compares: African/African-American, 0.0014%; no homozygotes.

Submissions (2):

GeneDx
Classification: Uncertain significance. Last evaluated: 2023-12-26. Review status: criteria provided, single submitter. Criteria: GeneDx Variant Classification Process June 2021. Collection method: clinical testing. Allele origin: germline. Affected: yes.
Comment: Not observed at significant frequency in large population cohorts (gnomAD); In silico analysis supports that this missense variant does not alter protein structure/function; Has not been previously published as pathogenic or benign to our knowledge; Reported using an alternate transcript of the gene

Labcorp Genetics (formerly Invitae), Labcorp
Classification: Uncertain significance. Last evaluated: 2023-11-10. Review status: criteria provided, single submitter. Criteria: Invitae Variant Classification Sherloc (09022015). Collection method: clinical testing. Allele origin: germline.
Comment: This sequence change replaces serine, which is neutral and polar, with phenylalanine, which is neutral and non-polar, at codon 709 of the ARMC9 protein (p.Ser709Phe). This variant is present in population databases (no rsID available, gnomAD 0.007%). This variant has not been reported in the literature in individuals affected with ARMC9-related conditions. ClinVar contains an entry for this variant (Variation ID: 841668). Experimental studies and prediction algorithms are not available or were not evaluated, and the functional significance of this variant is currently unknown. In summary, the available evidence is currently insufficient to determine the role of this variant in disease. Therefore, it has been classified as a Variant of Uncertain Significance.

NM_001352754.2(ARMC9):c.2126C>T (p.Ser709Phe)

Gene: ARMC9 (armadillo repeat containing 9; plus strand). Cytogenetic location: 2q37.1.
Variant type: single nucleotide variant.
Coding change: c.2126C>T on transcript NM_001352754.2 (MANE Select); coding-DNA position 2126, C replaced by T.
Protein change: p.Ser709Phe; replaces serine 709 with phenylalanine.
Molecular consequence: missense variant.
Genome position (GRCh38, 1-based): chr2:231,355,929, C>T. VCF-style: chr2-231355929-C-T. GRCh37 (hg19) VCF-style: chr2-232220641-C-T.
Other names: c.2126C>T, p.Ser709Phe (NM_001271466.4); short protein forms S709F.
Identifiers: ClinVar variation 841668 (VCV000841668.11), dbSNP rs1369422705, ClinGen allele CA350957853.